The following is an entry in ClinVar:

ClinVar aggregate classification (germline): Pathogenic (1 of 4 stars; one submission).

Submission:

Illumina Laboratory Services, Illumina
Classification: Pathogenic. Last evaluated: 2020-09-29. Review status: criteria provided, single submitter. Criteria: ICSL CNVClassificationCriteria Aug2020. Collection method: clinical testing. Allele origin: unknown.
Comment: This CNV is an approximately 495 kb deletion of 16p12.2 on chromosome 16, (seq[GRCh38]del(16)(p12.2); chr16:g.21946438_ 22441358del), which is inherited. This CNV constitutes a loss encompassing the following genes: CDR2, POLR3E, EEF2K,VWA3A, C16orf52, PDZD9, UQCRC2, RRN3P3. This CNV overlaps the well-described 16p12.2 deletion syndrome which has been reported in over 100 probands, including inherited and de novo cases, however the deletion is most commonly inherited and low penetrance is well-established (Battaglia et al. 2009; Iascone et al. 2012; D'Alessandro et al. 2014; Girirajan et al. 2015; Pizzo et al. 2018). Common features of the syndrome include developmental delay, mild to moderate intellectual disability, speech delays, psychiatric and behavioral abnormalities including bipolar disorder, depression, and schizophrenia. Affected individuals also are known to have mild dysmorphic facial features without a consistent pattern, congenital cardiac defects, sleep disturbances, epilepsy, and a positive family history of learning disabilities. Additional features in some patients include hearing loss, dental abnormalities, renal and genital anomalies, short stature, epilepsy, and cleft palate and/or cleft lip. Pizzo et al. (2018) report that the severity and variability of neurodevelopmental features is contingent upon family history of neuropsychiatric disease, with those with a strong family history having a more severe presentation than those with a mild or absent family history. Similar CNVs have been reported in 11 controls. Based on the collective evidence, this CNV is classified as pathogenic.

Literature cited by the submitters: PubMed 19449418; PubMed 21457232; PubMed 25719193; PubMed 30190612; PubMed 23681798.

GRCh37/hg19 16p12.2(chr16:21946438-22441358)x1

Genes: CDR2 (cerebellar degeneration related protein 2), EEF2K (eukaryotic elongation factor 2 kinase), MOSMO (modulator of smoothened), PDZD9 (PDZ domain containing 9), POLR3E (RNA polymerase III subunit E) and 3 more. Cytogenetic location: 16p12.2.
Variant type: copy number loss.
Change: copy number 1 (one copy instead of two) of chr16:21,946,438-22,441,358 (494.9 kb, GRCh37 coordinates, 1-based), cytogenetic band 16p12.2.
Identifiers: ClinVar variation 988930 (VCV000988930.4).